The following is an entry in ClinVar:

NM_004655.4(AXIN2):c.249C>A (p.His83Gln)

Gene: AXIN2 (axin 2; minus strand). Cytogenetic location: 17q24.1.
Variant type: single nucleotide variant.
Coding change: c.249C>A on transcript NM_004655.4 (MANE Select); coding-DNA position 249, C replaced by A.
Protein change: p.His83Gln; replaces histidine 83 with glutamine.
Molecular consequence: missense variant.
Genome position (GRCh38, 1-based): chr17:65,558,372, G>T on the plus strand (C>A on the coding strand, the complement: AXIN2 is on the minus strand). VCF-style: chr17-65558372-G-T. GRCh37 (hg19) VCF-style: chr17-63554490-G-T.
Other names: c.249C>A, p.His83Gln (NM_001363813.1); short protein forms H83Q.
Identifiers: ClinVar variation 4188269 (VCV004188269.1).
Genomic context (GRCh38, chr17:65,558,372, plus strand): 5'-TTTCTCCCTCTCCAGGAAAGTTCGGAACAGGTAAGCACCGTCTTGATCGCCCAATAAGGA[G>T]TGTAAGGACTTGGTCCACCGGGTCAGAGGGGAATCCGGAGATGCCCGCCCCTCCGGCTCC-3'
Protein context (NP_004646.3, residues 73-93): SPLTRWTKSL[His83Gln]SLLGDQDGAY

ClinVar aggregate classification (germline): Uncertain significance (1 of 4 stars; one submission).

Conditions:
Hereditary cancer-predisposing syndrome. Also called: Neoplastic Syndromes, Hereditary; Tumor predisposition; Hereditary Cancer Syndrome; Hereditary neoplastic syndrome. Identifiers: Orphanet 140162, MedGen C0027672, MeSH D009386, MONDO:0015356.

gnomAD v4.1: 2 of 1,612,306 alleles (0.00012%); highest among the groups gnomAD compares: Non-Finnish European, 0.00017%; no homozygotes.

Submission:

Ambry Genetics
Classification: Uncertain significance for Hereditary cancer-predisposing syndrome. Last evaluated: 2025-07-25. Review status: criteria provided, single submitter. Criteria: Ambry Variant Classification Scheme 2023. Collection method: clinical testing. Allele origin: germline.
Comment: The p.H83Q variant (also known as c.249C>A), located in coding exon 1 of the AXIN2 gene, results from a C to A substitution at nucleotide position 249. The histidine at codon 83 is replaced by glutamine, an amino acid with highly similar properties. This amino acid position is conserved. In addition, this alteration is predicted to be tolerated by in silico analysis. Based on the available evidence, the clinical significance of this variant remains unclear.